The following is an entry in ClinVar:

ClinVar aggregate classification (germline): Uncertain significance (1 of 4 stars; one submission).

gnomAD v4.1: 2,546 of 1,614,140 alleles (0.16%); highest among the groups gnomAD compares: Non-Finnish European, 0.2%; 4 homozygotes.

Submission:

GeneDx
Classification: Uncertain significance. Last evaluated: 2026-10-13. Review status: criteria provided, single submitter. Criteria: GeneDx Variant Classification Process June 2021. Collection method: clinical testing. Allele origin: germline.
Comment: In silico analysis supports that this missense variant has a deleterious effect on protein structure/function; This variant is associated with the following publications: (PMID: 34426522, 35296332, 29574422)

NM_017852.5(NLRP2):c.1885T>C (p.Ser629Pro)

Gene: NLRP2 (NLR family pyrin domain containing 2; plus strand). Cytogenetic location: 19q13.42.
Variant type: single nucleotide variant.
Coding change: c.1885T>C on transcript NM_017852.5 (MANE Select); coding-DNA position 1885, T replaced by C.
Protein change: p.Ser629Pro; replaces serine 629 with proline.
Molecular consequence: missense variant. On other transcripts: non-coding transcript variant (1).
Genome position (GRCh38, 1-based): chr19:54,983,583, T>C. VCF-style: chr19-54983583-T-C. GRCh37 (hg19) VCF-style: chr19-55494951-T-C.
Other names: c.1885T>C, p.Ser629Pro (NM_001174081.3); c.1819T>C, p.Ser607Pro (NM_001174082.3); c.1816T>C, p.Ser606Pro (NM_001174083.2); c.1876T>C, p.Ser626Pro (NM_001348003.2); short protein forms S606P, S607P, S626P, S629P.
Identifiers: ClinVar variation 4528286 (VCV004528286.2).